The following is an entry in ClinVar:

NM_004453.4(ETFDH):c.1428G>A (p.Trp476Ter)

Gene: ETFDH (electron transfer flavoprotein dehydrogenase; plus strand). Cytogenetic location: 4q32.1.
Variant type: single nucleotide variant.
Coding change: c.1428G>A on transcript NM_004453.4 (MANE Select); coding-DNA position 1428, G replaced by A.
Protein change: p.Trp476Ter; replaces tryptophan 476 with a stop codon.
Molecular consequence: nonsense.
Genome position (GRCh38, 1-based): chr4:158,706,331, G>A. VCF-style: chr4-158706331-G-A. GRCh37 (hg19) VCF-style: chr4-159627483-G-A.
Other names: c.1287G>A, p.Trp429Ter (NM_001281737.2); c.1245G>A, p.Trp415Ter (NM_001281738.1); short protein forms W429*, W415*, W476*.
Identifiers: ClinVar variation 2778858 (VCV002778858.3), dbSNP rs1374116117, ClinGen allele CA358564559.

ClinVar aggregate classification (germline): Pathogenic (1 of 4 stars; one submission).

Conditions:
Multiple acyl-CoA dehydrogenase deficiency (MADD). Also called: Glutaric Acidemia type 2; ETHYLMALONIC-ADIPICACIDURIA; GA II; Glutaric aciduria, type 2; Glutaric acidemia type II; GA 2. Identifiers: Orphanet 26791, MedGen C0268596, MONDO:0009282, OMIM 231680.

Allele frequency attached by ClinVar (database versions not stated): gnomAD exomes below 0.00001.
gnomAD v4.1: 1 of 1,613,622 alleles (0.000062%); no homozygotes.

Submission:

Labcorp Genetics (formerly Invitae), Labcorp
Classification: Pathogenic for Multiple acyl-CoA dehydrogenase deficiency. Last evaluated: 2022-12-24. Review status: criteria provided, single submitter. Criteria: Invitae Variant Classification Sherloc (09022015). Collection method: clinical testing. Allele origin: germline.
Comment: This sequence change creates a premature translational stop signal (p.Trp476*) in the ETFDH gene. It is expected to result in an absent or disrupted protein product. Loss-of-function variants in ETFDH are known to be pathogenic (PMID: 16510302, 23785301). This variant is present in population databases (no rsID available, gnomAD 0.01%). This variant has not been reported in the literature in individuals affected with ETFDH-related conditions. For these reasons, this variant has been classified as Pathogenic.

Literature cited by the submitters: PubMed 16510302; PubMed 23785301.